The following is an entry in ClinVar:

NM_004055.5(CAPN5):c.1349T>A (p.Ile450Asn)

Gene: CAPN5 (calpain 5; plus strand). Cytogenetic location: 11q13.5.
Variant type: single nucleotide variant.
Coding change: c.1349T>A on transcript NM_004055.5 (MANE Select); coding-DNA position 1349, T replaced by A.
Protein change: p.Ile450Asn; replaces isoleucine 450 with asparagine.
Molecular consequence: missense variant.
Genome position (GRCh38, 1-based): chr11:77,120,771, T>A. VCF-style: chr11-77120771-T-A. GRCh37 (hg19) VCF-style: chr11-76831817-T-A.
Other names: short protein forms I450N.
Identifiers: ClinVar variation 852611 (VCV000852611.11), dbSNP rs200490589, ClinGen allele CA6196786.

ClinVar aggregate classification (germline): Conflicting classifications of pathogenicity. Review status: criteria provided, conflicting classifications (1 of 4 stars). 4 submissions from 4 submitters: Uncertain significance (3); Likely benign (1). Last evaluated 2025-11-28.

Conditions:
Inborn genetic diseases. Identifiers: MedGen C0950123, MeSH D030342.

Allele frequency attached by ClinVar (database versions not stated): TOPMed 0.00007; 1000 Genomes Project 0.00020; 1000 Genomes Project 30x 0.00031.
gnomAD v4.1: 230 of 1,613,998 alleles (0.014%); highest among the groups gnomAD compares: Middle Eastern, 0.066%; 1 homozygote.

Submissions (4):

Labcorp Genetics (formerly Invitae), Labcorp
Classification: Uncertain significance. Last evaluated: 2025-11-28. Review status: criteria provided, single submitter. Criteria: Invitae Variant Classification Sherloc (09022015). Collection method: clinical testing. Allele origin: germline.
Comment: This sequence change replaces isoleucine, which is neutral and non-polar, with asparagine, which is neutral and polar, at codon 450 of the CAPN5 protein (p.Ile450Asn). This variant is present in population databases (rs200490589, gnomAD 0.02%). This variant has not been reported in the literature in individuals affected with CAPN5-related conditions. ClinVar contains an entry for this variant (Variation ID: 852611). Invitae Evidence Modeling of protein sequence and biophysical properties (such as structural, functional, and spatial information, amino acid conservation, physicochemical variation, residue mobility, and thermodynamic stability) indicates that this missense variant is not expected to disrupt CAPN5 protein function with a negative predictive value of 80%. In summary, the available evidence is currently insufficient to determine the role of this variant in disease. Therefore, it has been classified as a Variant of Uncertain Significance.

Blueprint Genetics
Classification: Likely benign. Last evaluated: 2024-11-22. Review status: criteria provided, single submitter. Criteria: ACMG Guidelines, 2015. Collection method: clinical testing. Allele origin: germline.

Ambry Genetics
Classification: Uncertain significance for Inborn genetic diseases. Last evaluated: 2021-10-29. Review status: criteria provided, single submitter. Criteria: Ambry Variant Classification Scheme 2023. Collection method: clinical testing. Allele origin: germline.

Breakthrough Genomics
Classification: Uncertain significance. Review status: criteria provided, single submitter. Criteria: ACMG Guidelines, 2015. Collection method: not provided. Allele origin: germline. Inheritance: Autosomal dominant inheritance. Affected: yes.